The following is an entry in ClinVar:

NM_001369.3(DNAH5):c.7389del (p.Gly2464fs)

Gene: DNAH5 (dynein axonemal heavy chain 5; minus strand). Cytogenetic location: 5p15.2.
Variant type: Deletion.
Coding change: c.7389del on transcript NM_001369.3 (MANE Select); coding-DNA position 7389, one base deleted (A; older notation c.7389delA).
Protein change: p.Gly2464fs; shifts the reading frame from glycine 2464.
Molecular consequence: frameshift variant.
Genome position (GRCh38, 1-based): chr5:13,811,665, T deleted on the plus strand (A on the coding strand, the reverse complement: DNAH5 is on the minus strand); the first of 2 consecutive T bases (chr5:13,811,665-13,811,666); deleting either gives the same sequence. VCF-style (leftmost placement, unchanged base first): chr5-13811664-CT-C. GRCh37 (hg19) VCF-style: chr5-13811773-CT-C.
Other names: c.7389del (NM_001369.2); short protein forms G2464fs.
Identifiers: ClinVar variation 4718136 (VCV004718136.2).
Genomic context (GRCh38, chr5:13,811,664, plus strand): 5'-AAGTTGATAAGAGAGAATTTCTCTAGAAAGTTGAGCAATTTACCTTCAGAGGAATCAGGC[CT>C]TGAAGCATGTTAATGCTCTGTGTGATGACAAAGGCCTCCAGCACCTCCATCTTGTATTCT-3'

ClinVar aggregate classification (germline): Pathogenic/Likely pathogenic. Review status: criteria provided, multiple submitters, no conflicts (2 of 4 stars). 2 submissions from 2 submitters: Pathogenic (1); Likely pathogenic (1). Last evaluated 2025-04-22.

Conditions:
Primary ciliary dyskinesia. Also called: Ciliary dyskinesia. Identifiers: Orphanet 244, MedGen C0008780, MONDO:0016575, HP:0012265.

Submissions (2):

Labcorp Genetics (formerly Invitae), Labcorp
Classification: Pathogenic for Primary ciliary dyskinesia. Last evaluated: 2025-04-22. Review status: criteria provided, single submitter. Criteria: Invitae Variant Classification Sherloc (09022015). Collection method: clinical testing. Allele origin: germline.
Comment: This sequence change creates a premature translational stop signal (p.Gly2464Alafs*2) in the DNAH5 gene. It is expected to result in an absent or disrupted protein product. Loss-of-function variants in DNAH5 are known to be pathogenic (PMID: 11788826, 16627867). This variant is not present in population databases (gnomAD no frequency). This variant has not been reported in the literature in individuals affected with DNAH5-related conditions. For these reasons, this variant has been classified as Pathogenic.

Natera, Inc.
Classification: Likely pathogenic for Primary ciliary dyskinesia. Last evaluated: 2024-09-25. Review status: criteria provided, single submitter. Criteria: Natera Variant Classification Schema (03/2026). Collection method: clinical testing. Allele origin: germline.
Comment: The c.7389del variant in DNAH5 is a frameshift variant predicted to shift the reading frame beginning at codon 2464 and leads to a stop codon 2 codons downstream. This variant is expected to result in nonsense mediated decay, truncation, or a dysfunctional protein product. This variant is rare in the general population with a frequency below the threshold expected for the associated phenotype(s). Given the available evidence, this variant is classified as Likely Pathogenic.

Literature cited by the submitters: PubMed 11788826 (cited by Labcorp Genetics (formerly Invitae), Labcorp); PubMed 16627867 (cited by Labcorp Genetics (formerly Invitae), Labcorp).